The following is an entry in ClinVar:

NM_015346.4(ZFYVE26):c.4642T>C (p.Ser1548Pro)

Gene: ZFYVE26 (zinc finger FYVE-type containing 26; minus strand). Cytogenetic location: 14q24.1.
Variant type: single nucleotide variant.
Coding change: c.4642T>C on transcript NM_015346.4 (MANE Select); coding-DNA position 4642, T replaced by C.
Protein change: p.Ser1548Pro; replaces serine 1548 with proline.
Molecular consequence: missense variant.
Genome position (GRCh38, 1-based): chr14:67,780,273, A>G on the plus strand (T>C on the coding strand, the complement: ZFYVE26 is on the minus strand). VCF-style: chr14-67780273-A-G. GRCh37 (hg19) VCF-style: chr14-68246990-A-G.
Other names: short protein forms S1548P.
Identifiers: ClinVar variation 961765 (VCV000961765.3), dbSNP rs1035720966, ClinGen allele CA262845729.

ClinVar aggregate classification (germline): Uncertain significance (1 of 4 stars; one submission).

Conditions:
Spastic paraplegia. Identifiers: MedGen C0037772, HP:0001258.

Allele frequency attached by ClinVar (database versions not stated): gnomAD 0.00001.
gnomAD v4.1: 34 of 1,613,892 alleles (0.0021%); highest among the groups gnomAD compares: Non-Finnish European, 0.0026%; no homozygotes.

Submission:

Labcorp Genetics (formerly Invitae), Labcorp
Classification: Uncertain significance for Spastic paraplegia. Last evaluated: 2021-09-01. Review status: criteria provided, single submitter. Criteria: Invitae Variant Classification Sherloc (09022015). Collection method: clinical testing. Allele origin: germline.
Comment: This sequence change replaces serine with proline at codon 1548 of the ZFYVE26 protein (p.Ser1548Pro). The serine residue is moderately conserved and there is a moderate physicochemical difference between serine and proline. This variant is not present in population databases (ExAC no frequency). This variant has not been reported in the literature in individuals affected with ZFYVE26-related conditions. Algorithms developed to predict the effect of missense changes on protein structure and function (SIFT, PolyPhen-2, Align-GVGD) all suggest that this variant is likely to be tolerated. In summary, the available evidence is currently insufficient to determine the role of this variant in disease. Therefore, it has been classified as a Variant of Uncertain Significance.